The following is an entry in ClinVar:

ClinVar aggregate classification (germline): Conflicting classifications of pathogenicity. Review status: criteria provided, conflicting classifications (1 of 4 stars). 3 submissions from 3 submitters: Uncertain significance (2); Likely benign (1). Last evaluated 2025-06-18.

Conditions:
Hereditary breast ovarian cancer syndrome. Also called: Hereditary breast and ovarian cancer syndrome (HBOC); Hereditary breast and/or ovarian cancer syndrome; Hereditary breast and ovarian cancer; BRCA1- and BRCA2-Associated Hereditary Breast and Ovarian Cancer; Hereditary breast and ovarian cancer syndrome; Breast and ovarian cancer. Identifiers: Orphanet 145, MedGen C0677776, MeSH D061325, MONDO:0003582. Disease mechanism: loss of function.
Breast-ovarian cancer, familial, susceptibility to, 1 (BROVCA1). Also called: BRCA1 Hereditary Breast and Ovarian Cancer; OVARIAN CANCER, SUSCEPTIBILITY TO. Identifiers: Orphanet 145, MedGen C2676676, MONDO:0011450, OMIM 604370. Disease mechanism: loss of function.

Submissions (3):

Quest Diagnostics Nichols Institute San Juan Capistrano
Classification: Uncertain significance. Last evaluated: 2025-06-18. Review status: criteria provided, single submitter. Criteria: Quest Diagnostics criteria. Collection method: clinical testing. Allele origin: unknown.
Comment: The BRCA1 c.4676-3C>T variant has not been reported in individuals with BRCA1-related conditions in the published literature. It also has not been reported in large, multi-ethnic general populations (Genome Aggregation Database). Analysis of this variant using software algorithms for the prediction of the effect of nucleotide changes on splicing yielded predictions that this variant does not affect BRCA1 mRNA splicing. Based on the available information, we are unable to determine the clinical significance of this variant.

Labcorp Genetics (formerly Invitae), Labcorp
Classification: Uncertain significance for Hereditary breast ovarian cancer syndrome. Last evaluated: 2024-01-03. Review status: criteria provided, single submitter. Criteria: Invitae Variant Classification Sherloc (09022015). Collection method: clinical testing. Allele origin: germline.
Comment: This sequence change falls in intron 14 of the BRCA1 gene. It does not directly change the encoded amino acid sequence of the BRCA1 protein. It affects a nucleotide within the consensus splice site. This variant is not present in population databases (gnomAD no frequency). This variant has not been reported in the literature in individuals affected with BRCA1-related conditions. ClinVar contains an entry for this variant (Variation ID: 953857). Variants that disrupt the consensus splice site are a relatively common cause of aberrant splicing (PMID: 17576681, 9536098). Algorithms developed to predict the effect of sequence changes on RNA splicing suggest that this variant is not likely to affect RNA splicing. In summary, the available evidence is currently insufficient to determine the role of this variant in disease. Therefore, it has been classified as a Variant of Uncertain Significance.

Myriad Genetics, Inc.
Classification: Likely benign for Breast-ovarian cancer, familial, susceptibility to, 1. Last evaluated: 2024-01-03. Review status: criteria provided, single submitter. Criteria: Myriad Autosomal Dominant, Autosomal Recessive and X-Linked Classification Criteria (2023). Collection method: clinical testing. Allele origin: unknown.
Comment: This variant is considered likely benign. This variant is strongly associated with less severe personal and family histories of cancer, typical for individuals without pathogenic variants in this gene [PMID: 25085752].

Literature cited by the submitters: PubMed 17576681 (cited by Labcorp Genetics (formerly Invitae), Labcorp); PubMed 9536098 (cited by Labcorp Genetics (formerly Invitae), Labcorp); PubMed 25085752 (cited by Myriad Genetics, Inc.).

NM_007294.4(BRCA1):c.4676-3C>T

Gene: BRCA1 (BRCA1 DNA repair associated; minus strand). Cytogenetic location: 17q21.31.
Variant type: single nucleotide variant.
Coding change: c.4676-3C>T on transcript NM_007294.4 (MANE Select); 3 bases into the intron before coding-DNA position 4676, C replaced by T.
Molecular consequence: intron variant.
Genome position (GRCh38, 1-based): chr17:43,071,241, G>A on the plus strand (C>T on the coding strand, the complement: BRCA1 is on the minus strand). VCF-style: chr17-43071241-G-A. GRCh37 (hg19) VCF-style: chr17-41223258-G-A.
Other names: c.4673-3C>T (NM_001407614.1, NM_001407626.1, NM_001407617.1 and 17 more transcripts); c.4739-3C>T (NM_001407587.1, NM_001407585.1, NM_007300.4 and 1 more transcripts); c.1127-3C>T (NM_001408494.1); c.1241-3C>T (NM_001408444.1, NM_001408438.1, NM_001408432.1 and 10 more transcripts); c.1244-3C>T (NM_001408430.1, NM_001408427.1, NM_001408431.1 and 4 more transcripts); c.4547-3C>T (NM_001407682.1, NM_001407689.1, NM_001407681.1 and 6 more transcripts); c.4550-3C>T (NM_001407676.1, NM_001407863.1, NM_001407679.1 and 11 more transcripts); c.4553-3C>T (NM_001407938.1, NM_001407667.1, NM_001407668.1 and 6 more transcripts); and 71 more.
Identifiers: ClinVar variation 953857 (VCV000953857.13), dbSNP rs2052431362, ClinGen allele CA1139665583.